The following is an entry in ClinVar:

ClinVar aggregate classification (germline): Uncertain significance. Review status: criteria provided, multiple submitters, no conflicts (2 of 4 stars). 5 submissions from 5 submitters: Uncertain significance (2). 3 of the submissions do not count toward it. Last evaluated 2022-11-25.

Submissions (5):

GeneDx
Classification: Uncertain significance. Last evaluated: 2022-11-25. Review status: criteria provided, single submitter. Criteria: GeneDx Variant Classification Process June 2021. Collection method: clinical testing. Allele origin: germline. Affected: yes.
Comment: Not observed at significant frequency in large population cohorts (gnomAD); In silico analysis supports that this missense variant has a deleterious effect on protein structure/function; Has not been previously published as pathogenic or benign to our knowledge

Blueprint Genetics
Classification: Uncertain significance. Last evaluated: 2020-02-07. Review status: criteria provided, single submitter. Criteria: ACMG Guidelines, 2015. Collection method: clinical testing. Allele origin: germline.

Diagnostic Laboratory, Department of Genetics, University Medical Center Groningen
Classification: Uncertain significance. Review status: no assertion criteria provided. Collection method: clinical testing. Allele origin: germline. Affected: yes. Study: VKGL Data-share Consensus. Not counted in ClinVar's aggregate classification.

Genome Diagnostics Laboratory, Amsterdam University Medical Center
Classification: Uncertain significance. Review status: no assertion criteria provided. Collection method: clinical testing. Allele origin: germline. Affected: yes. Study: VKGL Data-share Consensus. Not counted in ClinVar's aggregate classification.

Genome Diagnostics Laboratory, University Medical Center Utrecht
Classification: Uncertain significance. Review status: no assertion criteria provided. Collection method: clinical testing. Allele origin: germline. Affected: yes. Study: VKGL Data-share Consensus. Not counted in ClinVar's aggregate classification.

NM_000214.3(JAG1):c.611A>G (p.Asp204Gly)

Gene: JAG1 (jagged canonical Notch ligand 1; minus strand). Cytogenetic location: 20p12.2.
Variant type: single nucleotide variant.
Coding change: c.611A>G on transcript NM_000214.3 (MANE Select); coding-DNA position 611, A replaced by G.
Protein change: p.Asp204Gly; replaces aspartic acid 204 with glycine.
Molecular consequence: missense variant.
Genome position (GRCh38, 1-based): chr20:10,658,551, T>C on the plus strand (A>G on the coding strand, the complement: JAG1 is on the minus strand). VCF-style: chr20-10658551-T-C. GRCh37 (hg19) VCF-style: chr20-10639199-T-C.
Other names: c.611A>G (NM_000214.2); short protein forms D204G.
Identifiers: ClinVar variation 1299781 (VCV001299781.3), dbSNP rs2122623598, ClinGen allele CA408240085.
Genomic context (GRCh38, chr20:10,658,551, plus strand): 5'-CAGCCTTCCATGCAAGTTTTGTTGCCATTCTGGTCACAGGCATAGTGTCCAAAGAAGTCA[T>C]CTCTGGGGCGGCAGAACTTATTGCAGCCAAAGCCATAGTAGTAGTCATCACAGGTCACGC-3'
Protein context (NP_000205.1, residues 194-214): FGCNKFCRPR[Asp204Gly]DFFGHYACDQ